The following is an entry in ClinVar:

NM_014285.7(EXOSC2):c.496C>G (p.Leu166Val)

Gene: EXOSC2 (exosome component 2; plus strand). Cytogenetic location: 9q34.12.
Variant type: single nucleotide variant.
Coding change: c.496C>G on transcript NM_014285.7 (MANE Select); coding-DNA position 496, C replaced by G.
Protein change: p.Leu166Val; replaces leucine 166 with valine.
Molecular consequence: missense variant. On other transcripts: non-coding transcript variant (1), intron variant (1).
Genome position (GRCh38, 1-based): chr9:130,702,134, C>G. VCF-style: chr9-130702134-C-G. GRCh37 (hg19) VCF-style: chr9-133577521-C-G.
Other names: c.406C>G, p.Leu136Val (NM_001282709.1); c.427-9C>G (NM_001282708.1); c.496C>G (NM_014285.5); short protein forms L136V, L166V.
Identifiers: ClinVar variation 1051413 (VCV001051413.7), dbSNP rs1483324344, ClinGen allele CA375247789.
Genomic context (GRCh38, chr9:130,702,134, plus strand): 5'-CTCCTTTTCATTCATCCCGCCAATCTTGCAGTGACCTAGCTTCGTGATATATTTCTTTAG[C>G]TAGGTCAGGGGGTTTTGGTCCAGGTTTCCCCCTCCCTGGTGAAACGGCAGAAGACCCACT-3'
Protein context (NP_055100.2, residues 156-176): LHTRSLKYGK[Leu166Val]GQGVLVQVSP

ClinVar aggregate classification (germline): Uncertain significance. Review status: criteria provided, multiple submitters, no conflicts (2 of 4 stars). 2 submissions from 2 submitters: Uncertain significance (2). Last evaluated 2025-06-07.

Allele frequency attached by ClinVar (database versions not stated): gnomAD exomes 0.00001.
gnomAD v4.1: 14 of 1,613,274 alleles (0.00087%); highest among the groups gnomAD compares: Non-Finnish European, 0.0012%; no homozygotes.

Submissions (2):

Ambry Genetics
Classification: Uncertain significance. Last evaluated: 2025-06-07. Review status: criteria provided, single submitter. Criteria: Ambry Variant Classification Scheme 2023. Collection method: clinical testing. Allele origin: germline.

Labcorp Genetics (formerly Invitae), Labcorp
Classification: Uncertain significance. Last evaluated: 2022-07-30. Review status: criteria provided, single submitter. Criteria: Invitae Variant Classification Sherloc (09022015). Collection method: clinical testing. Allele origin: germline.
Comment: This sequence change replaces leucine, which is neutral and non-polar, with valine, which is neutral and non-polar, at codon 166 of the EXOSC2 protein (p.Leu166Val). This variant is present in population databases (no rsID available, gnomAD 0.007%). This variant has not been reported in the literature in individuals affected with EXOSC2-related conditions. ClinVar contains an entry for this variant (Variation ID: 1051413). Algorithms developed to predict the effect of missense changes on protein structure and function (SIFT, PolyPhen-2, Align-GVGD) all suggest that this variant is likely to be disruptive. Algorithms developed to predict the effect of sequence changes on RNA splicing suggest that this variant may create or strengthen a splice site. In summary, the available evidence is currently insufficient to determine the role of this variant in disease. Therefore, it has been classified as a Variant of Uncertain Significance.